The following is an entry in ClinVar:

ClinVar aggregate classification (germline): Uncertain significance. Review status: criteria provided, single submitter (1 of 4 stars). 2 submissions from 2 submitters: Uncertain significance (1). 1 of the submissions does not count toward it. Last evaluated 2021-02-10.

Conditions:
Ataxia-telangiectasia syndrome (AT). Also called: Cerebello-oculocutaneous telangiectasia; Immunodeficiency with ataxia telangiectasia; ATAXIA-TELANGIECTASIA, COMPLEMENTATION GROUP A; ATAXIA-TELANGIECTASIA, FRESNO VARIANT; Ataxia-telangiectasia, complementation group E; LOUIS-BAR SYNDROME. Identifiers: Orphanet 100, MedGen C0004135, MONDO:0008840, OMIM 208900.

Submissions (2):

Labcorp Genetics (formerly Invitae), Labcorp
Classification: Uncertain significance for Ataxia-telangiectasia syndrome. Last evaluated: 2021-02-10. Review status: criteria provided, single submitter. Criteria: Invitae Variant Classification Sherloc (09022015). Collection method: clinical testing. Allele origin: germline.
Comment: This sequence change replaces asparagine with aspartic acid at codon 1720 of the ATM protein (p.Asn1720Asp). The asparagine residue is moderately conserved and there is a small physicochemical difference between asparagine and aspartic acid. This variant is not present in population databases (ExAC no frequency). This variant has not been reported in the literature in individuals with ATM-related conditions. Advanced modeling of protein sequence and biophysical properties (such as structural, functional, and spatial information, amino acid conservation, physicochemical variation, residue mobility, and thermodynamic stability) performed at Invitae indicates that this missense variant is not expected to disrupt ATM protein function. In summary, the available evidence is currently insufficient to determine the role of this variant in disease. Therefore, it has been classified as a Variant of Uncertain Significance.

Natera, Inc.
Classification: Uncertain significance for Ataxia-telangiectasia. Last evaluated: 2025-03-11. Review status: no assertion criteria provided. Collection method: clinical testing. Allele origin: germline. Not counted in ClinVar's aggregate classification.

NM_000051.4(ATM):c.5158A>G (p.Asn1720Asp)

Gene: ATM (ATM serine/threonine kinase; plus strand). Cytogenetic location: 11q22.3.
Variant type: single nucleotide variant.
Coding change: c.5158A>G on transcript NM_000051.4 (MANE Select); coding-DNA position 5158, A replaced by G.
Protein change: p.Asn1720Asp; replaces asparagine 1720 with aspartic acid.
Molecular consequence: missense variant.
Genome position (GRCh38, 1-based): chr11:108,299,866, A>G. VCF-style: chr11-108299866-A-G. GRCh37 (hg19) VCF-style: chr11-108170593-A-G.
Other names: c.5158A>G, p.Asn1720Asp (NM_001351834.2); c.5158A>G (NM_000051.3); short protein forms N1720D.
Identifiers: ClinVar variation 1517402 (VCV001517402.9), dbSNP rs2135892784, ClinGen allele CA382541100.
Genomic context (GRCh38, chr11:108,299,866, plus strand): 5'-CTTAAGTTATTTGAAGATAAAGAACTTCAGTGGACCTTCATAATGCTGACCTACCTGAAT[A>G]ACACACTGGTAGAAGATTGGTGAGTATTTATTGATACCTTATATGTAATCTCAATATGAC-3'
Protein context (NP_000042.3, residues 1710-1730): WTFIMLTYLN[Asn1720Asp]TLVEDCVKVR